The following is an entry in ClinVar:

NM_024675.4(PALB2):c.847T>G (p.Phe283Val)

Gene: PALB2 (partner and localizer of BRCA2; minus strand). Cytogenetic location: 16p12.2.
Variant type: single nucleotide variant.
Coding change: c.847T>G on transcript NM_024675.4 (MANE Select); coding-DNA position 847, T replaced by G.
Protein change: p.Phe283Val; replaces phenylalanine 283 with valine.
Molecular consequence: missense variant. On other transcripts: 5 prime UTR variant (8), intron variant (3).
Genome position (GRCh38, 1-based): chr16:23,635,699, A>C on the plus strand (T>G on the coding strand, the complement: PALB2 is on the minus strand). VCF-style: chr16-23635699-A-C. GRCh37 (hg19) VCF-style: chr16-23647020-A-C.
Other names: c.847T>G, p.Phe283Val (NM_001407297.1, NM_001407298.1, NM_001407299.1 and 3 more transcripts); c.-39T>G (NM_001407304.1, NM_001407305.1, NM_001407306.1 and 5 more transcripts); c.787T>G, p.Phe263Val (NM_001407296.1); c.48+5411T>G (NM_001407314.1); c.-104-5230T>G (NM_001407313.1, NM_001407312.1); short protein forms F263V, F283V.
Identifiers: ClinVar variation 5042664 (VCV005042664.1).

ClinVar aggregate classification (germline): Uncertain significance (1 of 4 stars; one submission).

Conditions:
Breast-ovarian cancer, familial, susceptibility to, 5 (BROVCA5). Identifiers: MedGen C5830615, MONDO:0957530, OMIM 620442.

Submission:

Dasa
Classification: Uncertain significance for Breast-ovarian cancer, familial, susceptibility to, 5. Review status: criteria provided, single submitter. Criteria: DASA Assertion Criteria. Collection method: clinical testing. Allele origin: germline.
Comment: NM_024675.4(PALB2):c.847T>G is a missense variant. This variant is absent from population databases. The currently available literature and clinical evidence are not sufficient to establish a definitive association between this variant and the reported condition. Therefore, this variant is classified as a variant of uncertain significance.